The following is an entry in ClinVar:

NM_015915.5(ATL1):c.587A>G (p.Tyr196Cys)

Gene: ATL1 (atlastin GTPase 1; plus strand). Cytogenetic location: 14q22.1.
Variant type: single nucleotide variant.
Coding change: c.587A>G on transcript NM_015915.5 (MANE Select); coding-DNA position 587, A replaced by G.
Protein change: p.Tyr196Cys; replaces tyrosine 196 with cysteine.
Molecular consequence: missense variant.
Genome position (GRCh38, 1-based): chr14:50,595,589, A>G. VCF-style: chr14-50595589-A-G. GRCh37 (hg19) VCF-style: chr14-51062307-A-G.
Other names: c.587A>G, p.Tyr196Cys (NM_001127713.1, NM_181598.4); short protein forms Y196C.
Identifiers: ClinVar variation 449532 (VCV000449532.11), dbSNP rs1555364246, ClinGen allele CA389668858.

ClinVar aggregate classification (germline): Conflicting classifications of pathogenicity. Review status: criteria provided, conflicting classifications (1 of 4 stars). 3 submissions from 3 submitters: Pathogenic (2); Uncertain significance (1). Last evaluated 2026-02-23.

Conditions:
Inborn genetic diseases. Identifiers: MedGen C0950123, MeSH D030342.
Hereditary spastic paraplegia 3A (SPG3A). Also called: SPASTIC PARAPLEGIA 3, AUTOSOMAL DOMINANT; FAMILIAL SPASTIC PARAPLEGIA, AUTOSOMAL DOMINANT, 1; SPG3; STRUMPELL DISEASE; Spastic paraplegia 3A, autosomal dominant; Spastic Paraplegia 3A. Identifiers: Orphanet 100984, MedGen C2931355, MONDO:0008437, OMIM 182600.

Submissions (3):

Ambry Genetics
Classification: Pathogenic for Inborn genetic diseases. Last evaluated: 2026-02-23. Review status: criteria provided, single submitter. Criteria: Ambry Variant Classification Scheme 2023. Collection method: clinical testing. Allele origin: germline.
Comment: The c.587A>G (p.Y196C) alteration is located in exon 6 (coding exon 6) of the ATL1 gene. This alteration results from an A to G substitution at nucleotide position 587, causing the tyrosine (Y) at amino acid position 196 to be replaced by a cysteine (C). This variant was not reported in population-based cohorts in the Genome Aggregation Database (gnomAD). This variant was determined to be de novo in at least one individual with features consistent with ATL1-related axonopathy (Wang, 2023). This amino acid position is highly conserved in available vertebrate species. This missense variant is located in a region that has a low rate of benign missense variation (Lek, 2016; Firth, 2009). This alteration is predicted to be deleterious by in silico analysis. Based on the available evidence, this alteration is classified as pathogenic.

GeneDx
Classification: Pathogenic. Last evaluated: 2024-06-20. Review status: criteria provided, single submitter. Criteria: GeneDx Variant Classification Process June 2021. Collection method: clinical testing. Allele origin: germline. Affected: yes.
Comment: In silico analysis supports that this missense variant has a deleterious effect on protein structure/function; Not observed at significant frequency in large population cohorts (gnomAD); This variant is associated with the following publications: (PMID: 28240257, 36109173, 23334294, 25761634, 30666337, 30773365, 34019998, 20718791)

Labcorp Genetics (formerly Invitae), Labcorp
Classification: Uncertain significance for Hereditary spastic paraplegia 3A. Last evaluated: 2024-02-24. Review status: criteria provided, single submitter. Criteria: Invitae Variant Classification Sherloc (09022015). Collection method: clinical testing. Allele origin: germline.
Comment: This sequence change replaces tyrosine, which is neutral and polar, with cysteine, which is neutral and slightly polar, at codon 196 of the ATL1 protein (p.Tyr196Cys). This variant is not present in population databases (gnomAD no frequency). This missense change has been observed in individuals with autosomal dominant hereditary spastic paraplegia (PMID: 20718791, 36109173). ClinVar contains an entry for this variant (Variation ID: 449532). Advanced modeling of protein sequence and biophysical properties (such as structural, functional, and spatial information, amino acid conservation, physicochemical variation, residue mobility, and thermodynamic stability) performed at Invitae indicates that this missense variant is expected to disrupt ATL1 protein function with a positive predictive value of 80%. Experimental studies have shown that this missense change affects ATL1 function (PMID: 25761634, 28240257, 30666337, 30773365). In summary, the available evidence is currently insufficient to determine the role of this variant in disease. Therefore, it has been classified as a Variant of Uncertain Significance.

Literature cited by the submitters: PubMed 36109173 (cited by Ambry Genetics and Labcorp Genetics (formerly Invitae), Labcorp); PubMed 20718791 (cited by Labcorp Genetics (formerly Invitae), Labcorp); PubMed 25761634 (cited by Labcorp Genetics (formerly Invitae), Labcorp); PubMed 28240257 (cited by Labcorp Genetics (formerly Invitae), Labcorp); PubMed 30666337 (cited by Labcorp Genetics (formerly Invitae), Labcorp); PubMed 30773365 (cited by Labcorp Genetics (formerly Invitae), Labcorp).